The following is an entry in ClinVar:

NM_002336.3(LRP6):c.1298A>G (p.Asn433Ser)

Gene: LRP6 (LDL receptor related protein 6; minus strand). Cytogenetic location: 12p13.2.
Variant type: single nucleotide variant.
Coding change: c.1298A>G on transcript NM_002336.3 (MANE Select); coding-DNA position 1298, A replaced by G.
Protein change: p.Asn433Ser; replaces asparagine 433 with serine.
Molecular consequence: missense variant.
Genome position (GRCh38, 1-based): chr12:12,181,118, T>C on the plus strand (A>G on the coding strand, the complement: LRP6 is on the minus strand). VCF-style: chr12-12181118-T-C. GRCh37 (hg19) VCF-style: chr12-12334052-T-C.
Other names: short protein forms N433S.
Identifiers: ClinVar variation 66054 (VCV000066054.4), dbSNP rs397515473, ClinGen allele CA144850.

ClinVar aggregate classification (germline): Uncertain significance. Review status: criteria provided, single submitter (1 of 4 stars). 2 submissions from 2 submitters: Uncertain significance (1). 1 of the submissions does not count toward it. Last evaluated 2024-04-23.

Conditions:
Coronary artery disease, autosomal dominant 2 (ADCAD2). Identifiers: MedGen C1970440, MONDO:0012586, OMIM 610947.

Allele frequency attached by ClinVar (database versions not stated): ExAC 0.00002; gnomAD 0.00002; gnomAD exomes 0.00003; TOPMed 0.00003.
gnomAD v4.1: 83 of 1,614,004 alleles (0.0051%); highest among the groups gnomAD compares: Non-Finnish European, 0.0058%; no homozygotes.

Submissions (2):

Labcorp Genetics (formerly Invitae), Labcorp
Classification: Uncertain significance. Last evaluated: 2024-04-23. Review status: criteria provided, single submitter. Criteria: Invitae Variant Classification Sherloc (09022015). Collection method: clinical testing. Allele origin: germline.
Comment: This sequence change replaces asparagine, which is neutral and polar, with serine, which is neutral and polar, at codon 433 of the LRP6 protein (p.Asn433Ser). This variant is present in population databases (rs397515473, gnomAD 0.005%). This missense change has been observed in individual(s) with clinical features of LRP6-related conditions (PMID: 23703864). ClinVar contains an entry for this variant (Variation ID: 66054). Advanced modeling of protein sequence and biophysical properties (such as structural, functional, and spatial information, amino acid conservation, physicochemical variation, residue mobility, and thermodynamic stability) has been performed at Invitae for this missense variant, however the output from this modeling did not meet the statistical confidence thresholds required to predict the impact of this variant on LRP6 protein function. In summary, the available evidence is currently insufficient to determine the role of this variant in disease. Therefore, it has been classified as a Variant of Uncertain Significance.

OMIM
Classification: Pathogenic for CORONARY ARTERY DISEASE, AUTOSOMAL DOMINANT 2. Last evaluated: 2013-09-01. Review status: no assertion criteria provided. Collection method: literature only. Allele origin: germline. Not counted in ClinVar's aggregate classification.

Literature cited by the submitters: PubMed 23703864 (cited by Labcorp Genetics (formerly Invitae), Labcorp and OMIM).